The following is an entry in ClinVar:

NM_032861.4(SERAC1):c.1166G>A (p.Ser389Asn)

Gene: SERAC1 (serine active site containing 1; minus strand). Cytogenetic location: 6q25.3.
Variant type: single nucleotide variant.
Coding change: c.1166G>A on transcript NM_032861.4 (MANE Select); coding-DNA position 1166, G replaced by A.
Protein change: p.Ser389Asn; replaces serine 389 with asparagine.
Molecular consequence: missense variant. On other transcripts: non-coding transcript variant (1).
Genome position (GRCh38, 1-based): chr6:158,120,425, C>T on the plus strand (G>A on the coding strand, the complement: SERAC1 is on the minus strand). VCF-style: chr6-158120425-C-T. GRCh37 (hg19) VCF-style: chr6-158541457-C-T.
Other names: short protein forms S389N.
Identifiers: ClinVar variation 2187363 (VCV002187363.4), dbSNP rs761561557, ClinGen allele CA4071183.
Genomic context (GRCh38, chr6:158,120,425, plus strand): 5'-TGAGGCCTCTAGGCTTCACATTTCCAAAGGGGACAAAGCAACTCTCTTCTGCTTCCTTAC[C>T]TTGTTCGATATTGGGGATGCAGCACATATACGCCATCCTGATATTTTTCTTGCACAGTTT-3'
Protein context (NP_116250.3, residues 379-399): VYVLHPQYRT[Ser389Asn]QPIKADVLFI

ClinVar aggregate classification (germline): Uncertain significance (1 of 4 stars; one submission).

Conditions:
3-methylglutaconic aciduria with deafness, encephalopathy, and Leigh-like syndrome (MEGDEL). Also called: 3-METHYLGLUTACONIC ACIDURIA, TYPE VI; SERAC1 Deficiency; MEGDEL syndrome. Identifiers: Orphanet 352328, MedGen C4040739, MONDO:0013875, OMIM 614739.

Allele frequency attached by ClinVar (database versions not stated): TOPMed below 0.00001; gnomAD exomes 0.00001; ExAC 0.00002.

Submission:

Labcorp Genetics (formerly Invitae), Labcorp
Classification: Uncertain significance for 3-methylglutaconic aciduria with deafness, encephalopathy, and Leigh-like syndrome. Last evaluated: 2022-08-02. Review status: criteria provided, single submitter. Criteria: Invitae Variant Classification Sherloc (09022015). Collection method: clinical testing. Allele origin: germline.
Comment: In summary, the available evidence is currently insufficient to determine the role of this variant in disease. Therefore, it has been classified as a Variant of Uncertain Significance. Variants that disrupt the consensus splice site are a relatively common cause of aberrant splicing (PMID: 17576681, 9536098). Algorithms developed to predict the effect of sequence changes on RNA splicing suggest that this variant may disrupt the consensus splice site. Algorithms developed to predict the effect of missense changes on protein structure and function (SIFT, PolyPhen-2, Align-GVGD) all suggest that this variant is likely to be tolerated. This variant has not been reported in the literature in individuals affected with SERAC1-related conditions. This variant is present in population databases (rs761561557, gnomAD 0.009%). This sequence change replaces serine, which is neutral and polar, with asparagine, which is neutral and polar, at codon 389 of the SERAC1 protein (p.Ser389Asn). This variant also falls at the last nucleotide of exon 11, which is part of the consensus splice site for this exon.

Literature cited by the submitters: PubMed 17576681; PubMed 9536098.